The following is an entry in ClinVar:

NM_006506.5(RASA2):c.1695C>G (p.Phe565Leu)

Gene: RASA2 (RAS p21 protein activator 2; plus strand). Cytogenetic location: 3q23.
Variant type: single nucleotide variant.
Coding change: c.1695C>G on transcript NM_006506.5 (MANE Select); coding-DNA position 1695, C replaced by G.
Protein change: p.Phe565Leu; replaces phenylalanine 565 with leucine.
Molecular consequence: missense variant.
Genome position (GRCh38, 1-based): chr3:141,581,120, C>G. VCF-style: chr3-141581120-C-G. GRCh37 (hg19) VCF-style: chr3-141299962-C-G.
Other names: c.1695C>G, p.Phe565Leu (NM_001303245.3, NM_001303246.3); short protein forms F565L.
Identifiers: ClinVar variation 3225603 (VCV003225603.1), dbSNP rs2083107172, ClinGen allele CA354780132.

ClinVar aggregate classification (germline): Uncertain significance (1 of 4 stars; one submission).

Submission:

Ambry Genetics
Classification: Uncertain significance. Last evaluated: 2024-01-01. Review status: criteria provided, single submitter. Criteria: Ambry Variant Classification Scheme 2023. Collection method: clinical testing. Allele origin: germline.
Comment: The p.F565L variant (also known as c.1695C>G), located in coding exon 17 of the RASA2 gene, results from a C to G substitution at nucleotide position 1695. The phenylalanine at codon 565 is replaced by leucine, an amino acid with highly similar properties. This amino acid position is conserved. In addition, this alteration is predicted to be tolerated by in silico analysis. Since supporting evidence is limited at this time, the clinical significance of this alteration remains unclear.